The following is an entry in ClinVar:

ClinVar aggregate classification (germline): Uncertain significance (1 of 4 stars; one submission).

Conditions:
Familial adenomatous polyposis 1 (FAP1). Also called: FAMILIAL ADENOMATOUS POLYPOSIS 1, ATTENUATED; POLYPOSIS, ADENOMATOUS INTESTINAL. Identifiers: MedGen C2713442, MONDO:0021056, OMIM 175100. Disease mechanism: loss of function.

Allele frequency attached by ClinVar (database versions not stated): gnomAD 0.00001.

Submission:

Labcorp Genetics (formerly Invitae), Labcorp
Classification: Uncertain significance for Familial adenomatous polyposis 1. Last evaluated: 2026-01-05. Review status: criteria provided, single submitter. Criteria: Invitae Variant Classification Sherloc (09022015). Collection method: clinical testing. Allele origin: germline.
Comment: This variant occurs in a non-coding region of the APC gene. It does not change the encoded amino acid sequence of the APC protein. This variant is not present in population databases (gnomAD no frequency). This variant has not been reported in the literature in individuals affected with APC-related conditions. ClinVar contains an entry for this variant (Variation ID: 537612). Experimental studies and prediction algorithms are not available or were not evaluated, and the functional significance of this variant is currently unknown. In summary, the available evidence is currently insufficient to determine the role of this variant in disease. Therefore, it has been classified as a Variant of Uncertain Significance.

NC_000005.10:g.112707460C>A

Gene: APC (APC regulator of Wnt signaling pathway; plus strand). Cytogenetic location: 5q22.2.
Variant type: single nucleotide variant.
Genome position: GRCh38 VCF-style: chr5-112707460-C-A. GRCh37 (hg19) VCF-style: chr5-112043157-C-A.
Identifiers: ClinVar variation 537612 (VCV000537612.10), dbSNP rs1554060161, ClinGen allele CA658796600.
Genomic context (GRCh38, chr5:112,707,460, plus strand): 5'-GCAGTGCCCGGCAAGCGGAGCGCAGCACCCATTGCGCCTGCGCATAACAGGCTCTAGTCT[C>A]CGGGCTGTGGGAAGCCAGCAACACCTCTCACGCATGCGCATTGTAGTCTTCCCACCTCCC-3'